The following is an entry in ClinVar:

NM_005609.4(PYGM):c.967G>T (p.Val323Leu)

Gene: PYGM (glycogen phosphorylase, muscle associated; minus strand). Cytogenetic location: 11q13.1.
Variant type: single nucleotide variant.
Coding change: c.967G>T on transcript NM_005609.4 (MANE Select); coding-DNA position 967, G replaced by T.
Protein change: p.Val323Leu; replaces valine 323 with leucine.
Molecular consequence: missense variant.
Genome position (GRCh38, 1-based): chr11:64,754,725, C>A on the plus strand (G>T on the coding strand, the complement: PYGM is on the minus strand). VCF-style: chr11-64754725-C-A. GRCh37 (hg19) VCF-style: chr11-64522197-C-A.
Other names: c.703G>T, p.Val235Leu (NM_001164716.1); short protein forms V235L, V323L.
Identifiers: ClinVar variation 841867 (VCV000841867.5), dbSNP rs770104418, ClinGen allele CA6080063.
Genomic context (GRCh38, chr11:64,754,725, plus strand): 5'-ACAGAGTCGCCCTCCACACGCATGGTACCTTATCTGGGAAGGCATCGAAGTTCGTGCGCA[C>A]GGGATCACGGCAGCCGAACTTGGAAGACTTGAAGCGACGGATGATGTCCTGGAGGGTGGC-3'
Protein context (NP_005600.1, residues 313-333): KSSKFGCRDP[Val323Leu]RTNFDAFPDK

ClinVar aggregate classification (germline): Uncertain significance. Review status: criteria provided, single submitter (1 of 4 stars). 2 submissions from 2 submitters: Uncertain significance (1). 1 of the submissions does not count toward it. Last evaluated 2022-07-11.

Conditions:
Glycogen storage disease, type V (GSD5). Also called: MCARDLE DISEASE; MUSCLE GLYCOGEN PHOSPHORYLASE DEFICIENCY; MYOPHOSPHORYLASE DEFICIENCY; PYGM DEFICIENCY; McArdle type glycogen storage disease. Identifiers: Orphanet 368, MedGen C0017924, MONDO:0009293, OMIM 232600.

Allele frequency attached by ClinVar (database versions not stated): ExAC 0.00001; gnomAD 0.00001; TOPMed 0.00002.
gnomAD v4.1: 7 of 1,613,626 alleles (0.00043%); highest among the groups gnomAD compares: Admixed American, 0.012%; no homozygotes.

Submissions (2):

Labcorp Genetics (formerly Invitae), Labcorp
Classification: Uncertain significance for Glycogen storage disease, type V. Last evaluated: 2022-07-11. Review status: criteria provided, single submitter. Criteria: Invitae Variant Classification Sherloc (09022015). Collection method: clinical testing. Allele origin: germline.
Comment: This sequence change replaces valine, which is neutral and non-polar, with leucine, which is neutral and non-polar, at codon 323 of the PYGM protein (p.Val323Leu). This variant is present in population databases (rs770104418, gnomAD 0.009%). This variant has not been reported in the literature in individuals affected with PYGM-related conditions. ClinVar contains an entry for this variant (Variation ID: 841867). Algorithms developed to predict the effect of missense changes on protein structure and function are either unavailable or do not agree on the potential impact of this missense change (SIFT: "Not Available"; PolyPhen-2: "Benign"; Align-GVGD: "Not Available"). In summary, the available evidence is currently insufficient to determine the role of this variant in disease. Therefore, it has been classified as a Variant of Uncertain Significance.

Natera, Inc.
Classification: Uncertain significance for Glycogen storage disease V. Last evaluated: 2020-09-16. Review status: no assertion criteria provided. Collection method: clinical testing. Allele origin: germline. Not counted in ClinVar's aggregate classification.